The following is an entry in ClinVar:

NM_000330.4(RS1):c.149G>A (p.Trp50Ter)

Gene: RS1 (retinoschisin 1; minus strand). Cytogenetic location: Xp22.13.
Variant type: single nucleotide variant.
Coding change: c.149G>A on transcript NM_000330.4 (MANE Select); coding-DNA position 149, G replaced by A.
Protein change: p.Trp50Ter; replaces tryptophan 50 with a stop codon.
Molecular consequence: nonsense.
Genome position (GRCh38, 1-based): chrX:18,656,688, C>T on the plus strand (G>A on the coding strand, the complement: RS1 is on the minus strand). VCF-style: chrX-18656688-C-T. GRCh37 (hg19) VCF-style: chrX-18674808-C-T.
Other names: NM_000330.4(RS1):c.149G>A; p.Trp50Ter; short protein forms W50*.
Identifiers: ClinVar variation 1419115 (VCV001419115.10), dbSNP rs2147203086, ClinGen allele CA412376221.

ClinVar aggregate classification (germline): Pathogenic. Review status: reviewed by expert panel (3 of 4 stars). 3 submissions from 3 submitters: Pathogenic (1). 2 of the submissions do not count toward it. Last evaluated 2025-05-19.

Conditions:
RS1-related disorder. Also called: RS1-related condition.
Juvenile retinoschisis (RS1). Also called: X-linked retinoschisis; X-Linked Juvenile Retinoschisis. Identifiers: Orphanet 792, MedGen C3714753, MONDO:0010725, OMIM 312700.

Submissions (3):

ClinGen X-linked Inherited Retinal Disease Variant Curation Expert Panel, ClinGen
Classification: Pathogenic for Juvenile retinoschisis. Last evaluated: 2025-05-19. Review status: reviewed by expert panel. Criteria: ClinGen X LinkedIRD ACMG Specifications RS1 V1.0.0. Collection method: curation. Allele origin: germline. Inheritance: X-linked inheritance.
Comment: The NM_000330.4(RS1):c.149G>A variant is a nonsense variant in amino acid 50, which results in a premature stop codon and causes a truncated protein. This is a frameshift variant that introduces a premature stop codon between amino acids 1-223 that is predicted to either trigger nonsense-mediated decay or to disrupt a critical C-terminal region required for proper multimerization of RS1 (PVS1, PMID: 19849666). This variant is absent from hemizygous individuals in gnomAD v4.1.0 (PM2_Supporting). At least one proband harboring this variant exhibits a phenotype including appearance of schisis and reduced visual acuity before age 13 years, which together are specific for X-linked retinoschisis ( PMID: 16272055, PP4). In summary, this variant is classified as pathogenic for X-linked retinoschisis based on the ClinGen X-linked Inherited Retinal Disease Expert Panel Specifications to the ACMG/AMP Variant Interpretation Guidelines for RS1 Version 1.0.0: PVS1, PP4, and PM2_supporting (date of approval 01/24/2025).

Blueprint Genetics
Classification: Pathogenic for RS1-related disorders. Last evaluated: 2024-06-13. Review status: criteria provided, single submitter. Criteria: ACMG Guidelines, 2015. Collection method: clinical testing. Allele origin: germline. Affected: yes. Observed: 3 variant alleles. Not counted in ClinVar's aggregate classification.

Labcorp Genetics (formerly Invitae), Labcorp
Classification: Pathogenic. Last evaluated: 2020-12-08. Review status: criteria provided, single submitter. Criteria: Invitae Variant Classification Sherloc (09022015). Collection method: clinical testing. Allele origin: germline. Not counted in ClinVar's aggregate classification.
Comment: For these reasons, this variant has been classified as Pathogenic. Algorithms developed to predict the effect of sequence changes on RNA splicing suggest that this variant may create or strengthen a splice site, but this prediction has not been confirmed by published transcriptional studies. This variant has been observed in individual(s) with clinical features of X-linked juvenile retinoschisis (PMID: 16272055). This variant is not present in population databases (ExAC no frequency). This sequence change creates a premature translational stop signal (p.Trp50*) in the RS1 gene. It is expected to result in an absent or disrupted protein product. Loss-of-function variants in RS1 are known to be pathogenic (PMID: 9618178, 17172462).

Literature cited by the submitters: PubMed 16272055 (cited by Labcorp Genetics (formerly Invitae), Labcorp); PubMed 9618178 (cited by Labcorp Genetics (formerly Invitae), Labcorp); PubMed 17172462 (cited by Labcorp Genetics (formerly Invitae), Labcorp).